The following is an entry in ClinVar:

ClinVar aggregate classification (germline): Uncertain significance. Review status: criteria provided, multiple submitters, no conflicts (2 of 4 stars). 2 submissions from 2 submitters: Uncertain significance (2). Last evaluated 2026-01-25.

Conditions:
Inborn genetic diseases. Identifiers: MedGen C0950123, MeSH D030342.

Allele frequency attached by ClinVar (database versions not stated): TOPMed 0.00004; gnomAD 0.00007; gnomAD exomes 0.00011.
gnomAD v4.1: 164 of 1,614,028 alleles (0.01%); highest among the groups gnomAD compares: Non-Finnish European, 0.013%; no homozygotes.

Submissions (2):

Labcorp Genetics (formerly Invitae), Labcorp
Classification: Uncertain significance. Last evaluated: 2026-01-25. Review status: criteria provided, single submitter. Criteria: Invitae Variant Classification Sherloc (09022015). Collection method: clinical testing. Allele origin: germline.
Comment: This sequence change replaces alanine, which is neutral and non-polar, with threonine, which is neutral and polar, at codon 497 of the SEC63 protein (p.Ala497Thr). This variant is present in population databases (rs535808802, gnomAD 0.01%). This variant has not been reported in the literature in individuals affected with SEC63-related conditions. ClinVar contains an entry for this variant (Variation ID: 2210094). An algorithm developed to predict the effect of missense changes on protein structure and function outputs the following: PolyPhen-2: "Benign". The threonine amino acid residue is found in multiple mammalian species, which suggests that this missense change does not adversely affect protein function. In summary, the available evidence is currently insufficient to determine the role of this variant in disease. Therefore, it has been classified as a Variant of Uncertain Significance.

Ambry Genetics
Classification: Uncertain significance for Inborn genetic diseases. Last evaluated: 2022-07-08. Review status: criteria provided, single submitter. Criteria: Ambry Variant Classification Scheme 2023. Collection method: clinical testing. Allele origin: germline.

NM_007214.5(SEC63):c.1489G>A (p.Ala497Thr)

Gene: SEC63 (SEC63 protein translocation regulator; minus strand). Cytogenetic location: 6q21.
Variant type: single nucleotide variant.
Coding change: c.1489G>A on transcript NM_007214.5 (MANE Select); coding-DNA position 1489, G replaced by A.
Protein change: p.Ala497Thr; replaces alanine 497 with threonine.
Molecular consequence: missense variant.
Genome position (GRCh38, 1-based): chr6:107,893,849, C>T on the plus strand (G>A on the coding strand, the complement: SEC63 is on the minus strand). VCF-style: chr6-107893849-C-T. GRCh37 (hg19) VCF-style: chr6-108215053-C-T.
Other names: short protein forms A497T.
Identifiers: ClinVar variation 2210094 (VCV002210094.3), dbSNP rs535808802, ClinGen allele CA3947368.